The following is an entry in ClinVar:

ClinVar aggregate classification (germline): Conflicting classifications of pathogenicity. Review status: criteria provided, conflicting classifications (1 of 4 stars). 2 submissions from 2 submitters: Pathogenic (1); Uncertain significance (1). Last evaluated 2025-11-21.

Conditions:
GPD1-related disorder. Also called: GPD1-related condition.

Allele frequency attached by ClinVar (database versions not stated): ExAC 0.00001; gnomAD exomes 0.00002 and 0.00007; gnomAD 0.00003 and 0.00004; TOPMed 0.00003.

Submissions (2):

Labcorp Genetics (formerly Invitae), Labcorp
Classification: Uncertain significance. Last evaluated: 2025-11-21. Review status: criteria provided, single submitter. Criteria: Invitae Variant Classification Sherloc (09022015). Collection method: clinical testing. Allele origin: germline.
Comment: This sequence change replaces arginine, which is basic and polar, with tryptophan, which is neutral and slightly polar, at codon 269 of the GPD1 protein (p.Arg269Trp). This variant is present in population databases (rs761342764, gnomAD 0.02%). This missense change has been observed in individual(s) with transient infantile hypertriglyceridemia (PMID: 36588760). ClinVar contains an entry for this variant (Variation ID: 1425485). Invitae Evidence Modeling of protein sequence and biophysical properties (such as structural, functional, and spatial information, amino acid conservation, physicochemical variation, residue mobility, and thermodynamic stability) indicates that this missense variant is expected to disrupt GPD1 protein function with a positive predictive value of 80%. In summary, the available evidence is currently insufficient to determine the role of this variant in disease. Therefore, it has been classified as a Variant of Uncertain Significance.

PreventionGenetics, part of Exact Sciences
Classification: Pathogenic for GPD1-related condition. Last evaluated: 2023-06-27. Review status: criteria provided, single submitter. Criteria: ACMG Guidelines, 2015. Collection method: clinical testing. Allele origin: germline.
Comment: The GPD1 c.805C>T variant is predicted to result in the amino acid substitution p.Arg269Trp. This variant has been reported in the homozygous state in a patient with transient infantile hypertriglyceridemia (HTGTI) (Tan et al. 2022. PubMed ID: 36588760). Analysis of the crystal structure of GPD1 shows that the p.Arg269 residue is located in the center of the active site and disruption of this residue is expected to disrupt catalytic activity (Dionisi-Vici et al. 2016. PubMed ID: 27368975; Tan et al. 2022. PubMed ID: 36588760). This variant is reported in 0.020% of alleles in individuals of African descent in gnomAD. Of note, another variant impacting the same amino acid (p.Arg269Gln) has also been reported in the homozygous state in a patient with HTGT1 (Patient A in Dionisi-Vici et al. 2016. PubMed ID: 27368975). Based on this evidence, we interpret the c.805C>T (p.Arg269Trp) variant as pathogenic.

Literature cited by the submitters: PubMed 36588760 (cited by Labcorp Genetics (formerly Invitae), Labcorp).

NM_005276.4(GPD1):c.805C>T (p.Arg269Trp)

Gene: GPD1 (glycerol-3-phosphate dehydrogenase 1; plus strand). Cytogenetic location: 12q13.12.
Variant type: single nucleotide variant.
Coding change: c.805C>T on transcript NM_005276.4 (MANE Select); coding-DNA position 805, C replaced by T.
Protein change: p.Arg269Trp; replaces arginine 269 with tryptophan.
Molecular consequence: missense variant.
Genome position (GRCh38, 1-based): chr12:50,107,759, C>T. VCF-style: chr12-50107759-C-T. GRCh37 (hg19) VCF-style: chr12-50501542-C-T.
Other names: c.736C>T, p.Arg246Trp (NM_001257199.2); c.805C>T (NM_005276.3); short protein forms R246W, R269W.
Identifiers: ClinVar variation 1425485 (VCV001425485.8), dbSNP rs761342764, ClinGen allele CA6561750.